The following is an entry in ClinVar:

NM_001848.3(COL6A1):c.1273-3C>T

Gene: COL6A1 (collagen type VI alpha 1 chain; plus strand). Cytogenetic location: 21q22.3.
Variant type: single nucleotide variant.
Coding change: c.1273-3C>T on transcript NM_001848.3 (MANE Select); 3 bases into the intron before coding-DNA position 1273, C replaced by T.
Molecular consequence: intron variant.
Genome position (GRCh38, 1-based): chr21:45,992,745, C>T. VCF-style: chr21-45992745-C-T. GRCh37 (hg19) VCF-style: chr21-47412659-C-T.
Identifiers: ClinVar variation 2440361 (VCV002440361.4), dbSNP rs766529458, ClinGen allele CA10070223.

ClinVar aggregate classification (germline): Uncertain significance. Review status: criteria provided, multiple submitters, no conflicts (2 of 4 stars). 2 submissions from 2 submitters: Uncertain significance (2). Last evaluated 2025-12-11.

Conditions:
Bethlem myopathy 1A. Also called: MYOPATHY, BENIGN CONGENITAL, WITH CONTRACTURES; Bethlem myopathy 1; Bethlem Muscular Dystrophy. Identifiers: Orphanet 610, MedGen CN029274, MONDO:0024530, OMIM 158810.

Allele frequency attached by ClinVar (database versions not stated): TOPMed below 0.00001; gnomAD 0.00001; ExAC 0.00003.
gnomAD v4.1: 3 of 1,589,008 alleles (0.00019%); highest among the groups gnomAD compares: African/African-American, 0.004%; no homozygotes.

Submissions (2):

Labcorp Genetics (formerly Invitae), Labcorp
Classification: Uncertain significance for Bethlem myopathy 1A. Last evaluated: 2025-12-11. Review status: criteria provided, single submitter. Criteria: Invitae Variant Classification Sherloc (09022015). Collection method: clinical testing. Allele origin: germline.
Comment: This sequence change falls in intron 18 of the COL6A1 gene. It does not directly change the encoded amino acid sequence of the COL6A1 protein. It affects a nucleotide within the consensus splice site. The frequency data for this variant in the population databases is considered unreliable, as metrics indicate poor data quality at this position in the gnomAD database. This variant has not been reported in the literature in individuals affected with COL6A1-related conditions. ClinVar contains an entry for this variant (Variation ID: 2440361). Variants that disrupt the consensus splice site are a relatively common cause of aberrant splicing (PMID: 17576681, 9536098). Algorithms developed to predict the effect of sequence changes on RNA splicing suggest that this variant is not likely to affect RNA splicing. In summary, the available evidence is currently insufficient to determine the role of this variant in disease. Therefore, it has been classified as a Variant of Uncertain Significance.

Revvity Omics, Revvity
Classification: Uncertain significance. Last evaluated: 2021-07-09. Review status: criteria provided, single submitter. Criteria: ACMG Guidelines, 2015. Collection method: clinical testing. Allele origin: germline.

Literature cited by the submitters: PubMed 17576681 (cited by Labcorp Genetics (formerly Invitae), Labcorp); PubMed 9536098 (cited by Labcorp Genetics (formerly Invitae), Labcorp).